The following is an entry in ClinVar:

ClinVar aggregate classification (germline): Uncertain significance (1 of 4 stars; one submission).

Conditions:
Inborn genetic diseases. Identifiers: MedGen C0950123, MeSH D030342.

Allele frequency attached by ClinVar (database versions not stated): gnomAD exomes below 0.00001; TOPMed below 0.00001.
gnomAD v4.1: 1 of 1,614,004 alleles (0.000062%); highest among the groups gnomAD compares: Non-Finnish European, 0.000085%; no homozygotes.

Submission:

Ambry Genetics
Classification: Uncertain significance for Inborn genetic diseases. Last evaluated: 2022-11-05. Review status: criteria provided, single submitter. Criteria: Ambry Variant Classification Scheme 2023. Collection method: clinical testing. Allele origin: germline.
Comment: The p.I2481T variant (also known as c.7442T>C), located in coding exon 44 of the ATR gene, results from a T to C substitution at nucleotide position 7442. The isoleucine at codon 2481 is replaced by threonine, an amino acid with similar properties. This amino acid position is conserved. In addition, this alteration is predicted to be deleterious by in silico analysis. Since supporting evidence is limited at this time, the clinical significance of this alteration remains unclear.

NM_001184.4(ATR):c.7442T>C (p.Ile2481Thr)

Gene: ATR (ATR checkpoint kinase; minus strand). Cytogenetic location: 3q23.
Variant type: single nucleotide variant.
Coding change: c.7442T>C on transcript NM_001184.4 (MANE Select); coding-DNA position 7442, T replaced by C.
Protein change: p.Ile2481Thr; replaces isoleucine 2481 with threonine.
Molecular consequence: missense variant.
Genome position (GRCh38, 1-based): chr3:142,459,019, A>G on the plus strand (T>C on the coding strand, the complement: ATR is on the minus strand). VCF-style: chr3-142459019-A-G. GRCh37 (hg19) VCF-style: chr3-142177861-A-G.
Other names: c.7250T>C, p.Ile2417Thr (NM_001354579.2); short protein forms I2417T, I2481T.
Identifiers: ClinVar variation 2453514 (VCV002453514.2), dbSNP rs940571167, ClinGen allele CA84726132.